The following is an entry in ClinVar:

NM_174936.4(PCSK9):c.1998C>A (p.Ser666Arg)

Gene: PCSK9 (proprotein convertase subtilisin/kexin type 9; plus strand). Cytogenetic location: 1p32.3.
Variant type: single nucleotide variant.
Coding change: c.1998C>A on transcript NM_174936.4 (MANE Select); coding-DNA position 1998, C replaced by A.
Protein change: p.Ser666Arg; replaces serine 666 with arginine.
Molecular consequence: missense variant.
Genome position (GRCh38, 1-based): chr1:55,063,503, C>A. VCF-style: chr1-55063503-C-A. GRCh37 (hg19) VCF-style: chr1-55529176-C-A.
Other names: c.2121C>A, p.Ser707Arg (NM_001407240.1); c.2040C>A, p.Ser680Arg (NM_001407241.1); c.2001C>A, p.Ser667Arg (NM_001407242.1); c.1941C>A, p.Ser647Arg (NM_001407243.1); c.1824C>A, p.Ser608Arg (NM_001407244.1); c.1806C>A, p.Ser602Arg (NM_001407245.1); c.1623C>A, p.Ser541Arg (NM_001407246.1); c.1497C>A, p.Ser499Arg (NM_001407247.1); short protein forms S666R, S707R, S680R, S499R, S602R, S608R, S541R, S647R.
Identifiers: ClinVar variation 644936 (VCV000644936.14), dbSNP rs745578045, ClinGen allele CA040179.

ClinVar aggregate classification (germline): Conflicting classifications of pathogenicity. Review status: criteria provided, conflicting classifications (1 of 4 stars). 3 submissions from 3 submitters: Uncertain significance (1); Likely benign (2). Last evaluated 2024-09-05.

Conditions:
Cardiovascular phenotype. Identifiers: MedGen CN230736.
Familial hypercholesterolemia. Also called: Familial hypercholesterolaemia; Familial hypercholesterolemias. Identifiers: MedGen C0020445, MONDO:0005439.
Hypercholesterolemia, autosomal dominant, 3 (FHCL3). Also called: PCSK9-Related Familial Hypercholesterolemia, Autosomal Dominant; Familial hypercholesterolemia 3; Familial Hypercholesterolemia, Autosomal Dominant, 3. Identifiers: MedGen C1863551, MONDO:0011369, OMIM 603776.

Allele frequency attached by ClinVar (database versions not stated): gnomAD exomes 0.00001; ExAC 0.00002.
gnomAD v4.1: 10 of 1,613,976 alleles (0.00062%); highest among the groups gnomAD compares: Non-Finnish European, 0.00085%; no homozygotes.

Submissions (3):

Color Diagnostics, LLC DBA Color Health
Classification: Likely benign for Familial hypercholesterolemia. Last evaluated: 2024-09-05. Review status: criteria provided, single submitter. Criteria: ACMG Guidelines, 2015. Collection method: clinical testing. Allele origin: germline.

Ambry Genetics
Classification: Likely benign for Cardiovascular phenotype. Last evaluated: 2023-02-12. Review status: criteria provided, single submitter. Criteria: Ambry Variant Classification Scheme 2023. Collection method: clinical testing. Allele origin: germline.

Labcorp Genetics (formerly Invitae), Labcorp
Classification: Uncertain significance for Hypercholesterolemia, autosomal dominant, 3. Last evaluated: 2018-07-05. Review status: criteria provided, single submitter. Criteria: Invitae Variant Classification Sherloc (09022015). Collection method: clinical testing. Allele origin: germline.
Comment: In summary, the available evidence is currently insufficient to determine the role of this variant in disease. Therefore, it has been classified as a Variant of Uncertain Significance. Algorithms developed to predict the effect of missense changes on protein structure and function output the following: SIFT: "Tolerated"; PolyPhen-2: "Benign"; Align-GVGD: "Class C0". The arginine amino acid residue is found in multiple mammalian species, suggesting that this missense change does not adversely affect protein function. These predictions have not been confirmed by published functional studies and their clinical significance is uncertain. This variant has not been reported in the literature in individuals with PCSK9-related disease. This variant is present in population databases (rs745578045, ExAC 0.005%). This sequence change replaces serine with arginine at codon 666 of the PCSK9 protein (p.Ser666Arg). The serine residue is weakly conserved and there is a moderate physicochemical difference between serine and arginine.